The following is an entry in ClinVar:

NM_001018005.2(TPM1):c.563+6C>A

Gene: TPM1 (tropomyosin 1; plus strand). Cytogenetic location: 15q22.2.
Variant type: single nucleotide variant.
Coding change: c.563+6C>A on transcript NM_001018005.2 (MANE Select); 6 bases into the intron after coding-DNA position 563, C replaced by A.
Molecular consequence: intron variant.
Genome position (GRCh38, 1-based): chr15:63,060,945, C>A. VCF-style: chr15-63060945-C-A. GRCh37 (hg19) VCF-style: chr15-63353144-C-A.
Other names: c.689+6C>A (NM_001365778.1); c.563+6C>A (NM_001018020.2, NM_001018007.2, NM_001018006.2 and 6 more transcripts); c.455+6C>A (NM_001330351.2, NM_001330344.2, NM_001018008.2 and 5 more transcripts).
Identifiers: ClinVar variation 43427 (VCV000043427.9), dbSNP rs397516378, ClinGen allele CA018143.

ClinVar aggregate classification (germline): Conflicting classifications of pathogenicity. Review status: criteria provided, conflicting classifications (1 of 4 stars). 3 submissions from 3 submitters: Uncertain significance (2); Likely benign (1). Last evaluated 2025-11-08.

Conditions:
Cardiomyopathy (CMYO). Also called: Cardiomyopathies. Identifiers: Orphanet 167848, MedGen C0878544, MONDO:0004994, HP:0001638. Inheritance: Various modes of inheritance.
Hypertrophic cardiomyopathy. Also called: HYPERTROPHIC MYOCARDIOPATHY. Identifiers: Orphanet 217569, MedGen C0007194, MeSH D002312, MONDO:0005045, HP:0001639.

Allele frequency attached by ClinVar (database versions not stated): TOPMed below 0.00001.
gnomAD v4.1: 13 of 1,613,862 alleles (0.00081%); highest among the groups gnomAD compares: Non-Finnish European, 0.0011%; no homozygotes.

Submissions (3):

Labcorp Genetics (formerly Invitae), Labcorp
Classification: Uncertain significance for Hypertrophic cardiomyopathy. Last evaluated: 2025-11-08. Review status: criteria provided, single submitter. Criteria: Invitae Variant Classification Sherloc (09022015). Collection method: clinical testing. Allele origin: germline.
Comment: This sequence change falls in intron 5 of the TPM1 gene. It does not directly change the encoded amino acid sequence of the TPM1 protein. It affects a nucleotide within the consensus splice site. The frequency data for this variant in the population databases is considered unreliable, as metrics indicate poor data quality at this position in the gnomAD database. This variant has not been reported in the literature in individuals affected with TPM1-related conditions. ClinVar contains an entry for this variant (Variation ID: 43427). Variants that disrupt the consensus splice site are a relatively common cause of aberrant splicing (PMID: 17576681, 9536098). Algorithms developed to predict the effect of sequence changes on RNA splicing suggest that this variant is not likely to affect RNA splicing. In summary, the available evidence is currently insufficient to determine the role of this variant in disease. Therefore, it has been classified as a Variant of Uncertain Significance.

Color Diagnostics, LLC DBA Color Health
Classification: Uncertain significance for Cardiomyopathy. Last evaluated: 2025-08-04. Review status: criteria provided, single submitter. Criteria: ACMG Guidelines, 2015. Collection method: clinical testing. Allele origin: germline.
Comment: This variant causes a C to A nucleotide substitution at the +6 position of intron 5 of the TPM1 gene. To our knowledge, functional studies have not been reported for this variant. This variant has not been reported in individuals affected with TPM1-related disorders in the literature. This variant has been identified in 1/250818 chromosomes in the general population by the Genome Aggregation Database (gnomAD). The available evidence is insufficient to determine the role of this variant in disease conclusively. Therefore, this variant is classified as a Variant of Uncertain Significance.

Laboratory for Molecular Medicine, Mass General Brigham Personalized Medicine
Classification: Likely benign. Last evaluated: 2010-01-25. Review status: criteria provided, single submitter. Criteria: LMM Criteria. Collection method: clinical testing. Allele origin: germline. Observed: 1 variant allele.

Literature cited by the submitters: PubMed 17576681 (cited by Labcorp Genetics (formerly Invitae), Labcorp); PubMed 9536098 (cited by Labcorp Genetics (formerly Invitae), Labcorp).